The following is an entry in ClinVar:

NM_001371194.2(SEMA4D):c.645C>T (p.Asp215=)

Gene: SEMA4D (semaphorin 4D; minus strand). Cytogenetic location: 9q22.2.
Variant type: single nucleotide variant.
Coding change: c.645C>T on transcript NM_001371194.2 (MANE Select); coding-DNA position 645, C replaced by T.
Protein change: p.Asp215=; no amino-acid change (aspartic acid 215 retained).
Molecular consequence: synonymous variant. On other transcripts: non-coding transcript variant (6).
Genome position (GRCh38, 1-based): chr9:89,391,393, G>A on the plus strand (C>T on the coding strand, the complement: SEMA4D is on the minus strand). VCF-style: chr9-89391393-G-A. GRCh37 (hg19) VCF-style: chr9-92006308-G-A.
Other names: c.645C>T, p.Asp215= (NM_001142287.2, NM_001371195.1, NM_001371196.1 and 7 more transcripts).
Identifiers: ClinVar variation 3053809 (VCV003053809.2), dbSNP rs62638727, ClinGen allele CA5118622.

ClinVar aggregate classification (germline): Benign (0 of 4 stars; one submission).

Conditions:
SEMA4D-related disorder. Also called: SEMA4D-related condition.

Allele frequency attached by ClinVar (database versions not stated): gnomAD exomes 0.00036; ExAC 0.00109; 1000 Genomes Project 30x 0.00344; 1000 Genomes Project 0.00359; gnomAD 0.00367; TOPMed 0.00462; ESP Exome Variant Server 0.00492.
gnomAD v4.1: 1,112 of 1,614,234 alleles (0.069%); highest among the groups gnomAD compares: African/African-American, 1.3%; 7 homozygotes.

Submission:

PreventionGenetics, part of Exact Sciences
Classification: Benign for SEMA4D-related condition. Last evaluated: 2019-08-20. Review status: no assertion criteria provided. Collection method: clinical testing. Allele origin: germline.
Comment: This variant is classified as benign based on ACMG/AMP sequence variant interpretation guidelines (Richards et al. 2015 PMID: 25741868, with internal and published modifications).